The following is an entry in ClinVar:

NM_000136.3(FANCC):c.659T>G (p.Phe220Cys)

Genes: FANCC (FA complementation group C; minus strand), AOPEP (aminopeptidase O (putative); plus strand). Cytogenetic location: 9q22.32.
Variant type: single nucleotide variant.
Coding change: c.659T>G on transcript NM_000136.3 (MANE Select); coding-DNA position 659, T replaced by G.
Protein change: p.Phe220Cys; replaces phenylalanine 220 with cysteine.
Molecular consequence: missense variant.
Genome position (GRCh38, 1-based): chr9:95,149,950, A>C on the plus strand (T>G on the coding strand, the complement: FANCC is on the minus strand). VCF-style: chr9-95149950-A-C. GRCh37 (hg19) VCF-style: chr9-97912232-A-C.
Other names: c.659T>G, p.Phe220Cys (NM_001243743.2, NM_001243744.2); short protein forms F220C.
Identifiers: ClinVar variation 955097 (VCV000955097.16), dbSNP rs1012529150, ClinGen allele CA196573130.

ClinVar aggregate classification (germline): Uncertain significance. Review status: criteria provided, multiple submitters, no conflicts (2 of 4 stars). 3 submissions from 3 submitters: Uncertain significance (2). 1 of the submissions does not count toward it. Last evaluated 2024-02-29.

Conditions:
Fanconi anemia (FA). Also called: Fanconi's anemia. Identifiers: Orphanet 84, MedGen C0015625, MeSH D005199, MONDO:0019391.
Hereditary cancer-predisposing syndrome. Also called: Hereditary neoplastic syndrome; Tumor predisposition; Neoplastic Syndromes, Hereditary; Hereditary Cancer Syndrome. Identifiers: Orphanet 140162, MedGen C0027672, MeSH D009386, MONDO:0015356.

Submissions (3):

Ambry Genetics
Classification: Uncertain significance for Hereditary cancer-predisposing syndrome. Last evaluated: 2024-02-29. Review status: criteria provided, single submitter. Criteria: Ambry Variant Classification Scheme 2023. Collection method: clinical testing. Allele origin: germline.
Comment: The p.F220C variant (also known as c.659T>G), located in coding exon 6 of the FANCC gene, results from a T to G substitution at nucleotide position 659. The phenylalanine at codon 220 is replaced by cysteine, an amino acid with highly dissimilar properties. This amino acid position is not well conserved in available vertebrate species. In addition, this alteration is predicted to be tolerated by in silico analysis. Since supporting evidence is limited at this time, the clinical significance of this alteration remains unclear.

Labcorp Genetics (formerly Invitae), Labcorp
Classification: Uncertain significance for Fanconi anemia. Last evaluated: 2019-08-20. Review status: criteria provided, single submitter. Criteria: Invitae Variant Classification Sherloc (09022015). Collection method: clinical testing. Allele origin: germline.
Comment: Algorithms developed to predict the effect of missense changes on protein structure and function output the following: SIFT: "Deleterious"; PolyPhen-2: "Benign"; Align-GVGD: "Class C15". The cysteine amino acid residue is found in multiple mammalian species, suggesting that this missense change does not adversely affect protein function. These predictions have not been confirmed by published functional studies and their clinical significance is uncertain. This variant has not been reported in the literature in individuals with FANCC-related conditions. This variant is not present in population databases (ExAC no frequency). This sequence change replaces phenylalanine with cysteine at codon 220 of the FANCC protein (p.Phe220Cys). The phenylalanine residue is moderately conserved and there is a large physicochemical difference between phenylalanine and cysteine. Algorithms developed to predict the effect of sequence changes on RNA splicing suggest that this variant may create or strengthen a splice site, but this prediction has not been confirmed by published transcriptional studies. In summary, the available evidence is currently insufficient to determine the role of this variant in disease. Therefore, it has been classified as a Variant of Uncertain Significance.

Natera, Inc.
Classification: Uncertain significance for Fanconi anemia. Last evaluated: 2020-07-15. Review status: no assertion criteria provided. Collection method: clinical testing. Allele origin: germline. Not counted in ClinVar's aggregate classification.